The following is an entry in ClinVar:

ClinVar aggregate classification (germline): Uncertain significance. Review status: criteria provided, multiple submitters, no conflicts (2 of 4 stars). 2 submissions from 2 submitters: Uncertain significance (2). Last evaluated 2023-12-20.

Conditions:
Inborn genetic diseases. Identifiers: MedGen C0950123, MeSH D030342.

Allele frequency attached by ClinVar (database versions not stated): gnomAD 0.00003; gnomAD exomes 0.00003 and 0.00004; TOPMed 0.00003; ExAC 0.00004.
gnomAD v4.1: 59 of 1,611,694 alleles (0.0037%); highest among the groups gnomAD compares: Middle Eastern, 0.016%; no homozygotes.

Submissions (2):

Ambry Genetics
Classification: Uncertain significance for Inborn genetic diseases. Last evaluated: 2023-12-20. Review status: criteria provided, single submitter. Criteria: Ambry Variant Classification Scheme 2023. Collection method: clinical testing. Allele origin: germline.

Laboratory for Molecular Medicine, Mass General Brigham Personalized Medicine
Classification: Uncertain significance. Last evaluated: 2018-07-20. Review status: criteria provided, single submitter. Criteria: LMM Criteria. Collection method: clinical testing. Allele origin: germline. Observed: 2 variant alleles.
Comment: The p.Arg1478Gln variant in MYH14 has not been previously reported in individual s with hearing loss, but has been identified in 3/30570 South Asian chromosomes by the Genome Aggregation Database (gnomAD). C omputational prediction tools and conservation analysis suggest that the p.Arg14 78Gln variant may impact the protein, though this information is not predictive enough to determine pathogenicity. In summary, the clinical significance of the p.Arg1478Gln variant is uncertain. ACMG/AMP Criteria applied: PP3.

NM_001145809.2(MYH14):c.4433G>A (p.Arg1478Gln)

Gene: MYH14 (myosin heavy chain 14; plus strand). Cytogenetic location: 19q13.33.
Variant type: single nucleotide variant.
Coding change: c.4433G>A on transcript NM_001145809.2 (MANE Select); coding-DNA position 4433, G replaced by A.
Protein change: p.Arg1478Gln; replaces arginine 1478 with glutamine.
Molecular consequence: missense variant.
Genome position (GRCh38, 1-based): chr19:50,281,736, G>A. VCF-style: chr19-50281736-G-A. GRCh37 (hg19) VCF-style: chr19-50784993-G-A.
Other names: c.4334G>A, p.Arg1445Gln (NM_001077186.2); c.4310G>A, p.Arg1437Gln (NM_024729.4); c.4310G>A (NM_024729.3); short protein forms R1437Q, R1445Q, R1478Q.
Identifiers: ClinVar variation 667267 (VCV000667267.5), dbSNP rs757168957, ClinGen allele CA9593508.